The following is an entry in ClinVar:

NM_001042492.3(NF1):c.3270A>T (p.Gly1090=)

Gene: NF1 (neurofibromin 1; plus strand). Cytogenetic location: 17q11.2.
Variant type: single nucleotide variant.
Coding change: c.3270A>T on transcript NM_001042492.3 (MANE Select); coding-DNA position 3270, A replaced by T.
Protein change: p.Gly1090=; no amino-acid change (glycine 1090 retained).
Molecular consequence: synonymous variant.
Genome position (GRCh38, 1-based): chr17:31,232,145, A>T. VCF-style: chr17-31232145-A-T. GRCh37 (hg19) VCF-style: chr17-29559163-A-T.
Other names: c.3270A>T, p.Gly1090= (NM_000267.4).
Identifiers: ClinVar variation 3725643 (VCV003725643.2).

ClinVar aggregate classification (germline): Uncertain significance (1 of 4 stars; one submission).

Conditions:
Neurofibromatosis, type 1 (NF1). Also called: NEUROFIBROMATOSIS, TYPE I, SOMATIC; Peripheral type neurofibromatosis; Neurofibromatosis, type I; VON RECKLINGHAUSEN DISEASE. Identifiers: Orphanet 636, MedGen C0027831, MONDO:0018975, OMIM 162200. Disease mechanism: loss of function.

Submission:

Labcorp Genetics (formerly Invitae), Labcorp
Classification: Uncertain significance for Neurofibromatosis, type 1. Last evaluated: 2024-11-19. Review status: criteria provided, single submitter. Criteria: Invitae Variant Classification Sherloc (09022015). Collection method: clinical testing. Allele origin: germline.
Comment: This sequence change affects codon 1090 of the NF1 mRNA. It is a 'silent' change, meaning that it does not change the encoded amino acid sequence of the NF1 protein. This variant is not present in population databases (gnomAD no frequency). This variant has not been reported in the literature in individuals affected with NF1-related conditions. Algorithms developed to predict the effect of sequence changes on RNA splicing suggest that this variant may create or strengthen a splice site. In summary, the available evidence is currently insufficient to determine the role of this variant in disease. Therefore, it has been classified as a Variant of Uncertain Significance.